The following is an entry in ClinVar:

NM_031407.7(HUWE1):c.120G>C (p.Gln40His)

Gene: HUWE1 (HECT, UBA and WWE domain containing E3 ubiquitin protein ligase 1; minus strand). Cytogenetic location: Xp11.22.
Variant type: single nucleotide variant.
Coding change: c.120G>C on transcript NM_031407.7 (MANE Select); coding-DNA position 120, G replaced by C.
Protein change: p.Gln40His; replaces glutamine 40 with histidine.
Molecular consequence: missense variant.
Genome position (GRCh38, 1-based): chrX:53,648,236, C>G on the plus strand (G>C on the coding strand, the complement: HUWE1 is on the minus strand). VCF-style: chrX-53648236-C-G. GRCh37 (hg19) VCF-style: chrX-53675179-C-G.
Other names: c.120G>C (NM_031407.4); short protein forms Q40H.
Identifiers: ClinVar variation 1805171 (VCV001805171.8), dbSNP rs2528957371, ClinGen allele CA413167780.

ClinVar aggregate classification (germline): Uncertain significance. Review status: criteria provided, multiple submitters, no conflicts (2 of 4 stars). 2 submissions from 2 submitters: Uncertain significance (2). Last evaluated 2025-04-09.

Conditions:
Intellectual developmental disorder, X-linked, syndromic, Turner type. Also called: X-linked intellectual disability, Turner type; Intellectual disability, X-linked syndromic, Turner type. Identifiers: Orphanet 3056, Orphanet 85328, MedGen C2678046, MONDO:0010407, OMIM 309590.

Submissions (2):

Victorian Clinical Genetics Services, Murdoch Childrens Research Institute
Classification: Uncertain significance for Intellectual developmental disorder, X-linked, syndromic, Turner type. Last evaluated: 2025-04-09. Review status: criteria provided, single submitter. Criteria: ACMG Guidelines, 2015. Collection method: clinical testing. Allele origin: germline. Affected: yes.
Comment: This variant is classified as VUS-3B. Evidence in support of pathogenic classification: Variant is absent from gnomAD (v2, v3 and v4); Missense variant in a region that is highly intolerant to missense variation (high constraint region in DECIPHER). However, pathogenic and likely pathogenic missense variants in this gene tend to cluster in the HECT domain (DECIPHER). Additional information: Variant is predicted to result in a missense amino acid change from glutamine to histidine; This variant is hemizygous; This gene is associated with X-linked disease. Due to skewed X-inactivation, heterozygous females may be variably affected, ranging from asymptomatic to fully manifesting the condition (PMID: 29180823); Previous evidence of pathogenicity for this variant is inconclusive. This variant has been reported as a VUS by a clinical laboratory (ClinVar); No published functional evidence has been identified for this variant; No comparable missense variants have previous evidence for pathogenicity; Missense variant with inconclusive in silico prediction and uninformative conservation; Loss of function and gain of function are known mechanisms of disease in this gene and are associated with intellectual disability (MIM#309590) (PMID: 27130160).

GeneDx
Classification: Uncertain significance. Last evaluated: 2022-07-29. Review status: criteria provided, single submitter. Criteria: GeneDx Variant Classification Process June 2021. Collection method: clinical testing. Allele origin: germline. Affected: yes.
Comment: Not observed at significant frequency in large population cohorts (gnomAD); In silico analysis supports that this missense variant has a deleterious effect on protein structure/function; Has not been previously published as pathogenic or benign to our knowledge

Literature cited by the submitters: PubMed 27130160 (cited by Victorian Clinical Genetics Services, Murdoch Childrens Research Institute); PubMed 29180823 (cited by Victorian Clinical Genetics Services, Murdoch Childrens Research Institute).